The following is an entry in ClinVar:

NM_014391.3(ANKRD1):c.175C>T (p.Gln59Ter)

Gene: ANKRD1 (ankyrin repeat domain 1; minus strand). Cytogenetic location: 10q23.31.
Variant type: single nucleotide variant.
Coding change: c.175C>T on transcript NM_014391.3 (MANE Select); coding-DNA position 175, C replaced by T.
Protein change: p.Gln59Ter; replaces glutamine 59 with a stop codon.
Molecular consequence: nonsense.
Genome position (GRCh38, 1-based): chr10:90,920,201, G>A on the plus strand (C>T on the coding strand, the complement: ANKRD1 is on the minus strand). VCF-style: chr10-90920201-G-A. GRCh37 (hg19) VCF-style: chr10-92679958-G-A.
Other names: short protein forms Q59*.
Identifiers: ClinVar variation 1779548 (VCV001779548.2), dbSNP rs1057521825, ClinGen allele CA377553442.

ClinVar aggregate classification (germline): Uncertain significance (1 of 4 stars; one submission).

Conditions:
Cardiovascular phenotype. Identifiers: MedGen CN230736.

gnomAD v4.1: 6 of 1,613,950 alleles (0.00037%); highest among the groups gnomAD compares: East Asian, 0.013%; no homozygotes.

Submission:

Ambry Genetics
Classification: Uncertain significance for Cardiovascular phenotype. Last evaluated: 2022-09-25. Review status: criteria provided, single submitter. Criteria: Ambry Variant Classification Scheme 2023. Collection method: clinical testing. Allele origin: germline.
Comment: The p.Q59* variant (also known as c.175C>T), located in coding exon 2 of the ANKRD1 gene, results from a C to T substitution at nucleotide position 175. This changes the amino acid from a glutamine to a stop codon within coding exon 2. This alteration is expected to result in protein truncation or nonsense-mediated mRNA decay. However, loss of function of ANKRD1 has not been established as a mechanism of disease. The evidence for this gene-disease relationship is limited; therefore, the clinical significance of this alteration is unclear.